The following is an entry in ClinVar:

ClinVar aggregate classification (germline): Uncertain significance (1 of 4 stars; one submission).

Conditions:
Asphyxiating thoracic dystrophy 5 (SRTD5). Also called: SHORT-RIB THORACIC DYSPLASIA 5 WITHOUT POLYDACTYLY; SHORT-RIB THORACIC DYSPLASIA 5 WITH OR WITHOUT POLYDACTYLY. Identifiers: Orphanet 474, MedGen C3280598, MONDO:0013717, OMIM 614376.
Senior-Loken syndrome 8 (SLSN8). Identifiers: Orphanet 3156, MedGen C4225376, MONDO:0014579, OMIM 616307.

Submission:

Labcorp Genetics (formerly Invitae), Labcorp
Classification: Uncertain significance for Senior-Loken syndrome 8; Asphyxiating thoracic dystrophy 5. Last evaluated: 2022-02-28. Review status: criteria provided, single submitter. Criteria: Invitae Variant Classification Sherloc (09022015). Collection method: clinical testing. Allele origin: germline.
Comment: In summary, the available evidence is currently insufficient to determine the role of this variant in disease. Therefore, it has been classified as a Variant of Uncertain Significance. Algorithms developed to predict the effect of sequence changes on RNA splicing suggest that this variant may create or strengthen a splice site. This variant has not been reported in the literature in individuals affected with WDR19-related conditions. This variant is not present in population databases (gnomAD no frequency). This sequence change falls in intron 30 of the WDR19 gene. It does not directly change the encoded amino acid sequence of the WDR19 protein.

NM_025132.4(WDR19):c.3359-5T>A

Gene: WDR19 (WD repeat domain 19; plus strand). Cytogenetic location: 4p14.
Variant type: single nucleotide variant.
Coding change: c.3359-5T>A on transcript NM_025132.4 (MANE Select); 5 bases into the intron before coding-DNA position 3359, T replaced by A.
Molecular consequence: intron variant.
Genome position (GRCh38, 1-based): chr4:39,269,971, T>A. VCF-style: chr4-39269971-T-A. GRCh37 (hg19) VCF-style: chr4-39271591-T-A.
Other names: c.2879-5T>A (NM_001317924.2).
Identifiers: ClinVar variation 2157638 (VCV002157638.4), dbSNP rs2475386660, ClinGen allele CA2580070971.